The following is an entry in ClinVar:

ClinVar aggregate classification (germline): Uncertain significance (1 of 4 stars; one submission).

Conditions:
Epilepsy. Also called: Seizure disorder. Identifiers: MedGen C0014544, MeSH D004827, MONDO:0005027.

Submission:

Labcorp Genetics (formerly Invitae), Labcorp
Classification: Uncertain significance for Epilepsy. Last evaluated: 2022-05-12. Review status: criteria provided, single submitter. Criteria: Invitae Variant Classification Sherloc (09022015). Collection method: clinical testing. Allele origin: germline.
Comment: This sequence change replaces arginine, which is basic and polar, with glycine, which is neutral and non-polar, at codon 230 of the PIGQ protein (p.Arg230Gly). This variant is not present in population databases (gnomAD no frequency). This variant has not been reported in the literature in individuals affected with PIGQ-related conditions. Algorithms developed to predict the effect of missense changes on protein structure and function are either unavailable or do not agree on the potential impact of this missense change (SIFT: "Deleterious"; PolyPhen-2: "Possibly Damaging"; Align-GVGD: "Class C0"). In summary, the available evidence is currently insufficient to determine the role of this variant in disease. Therefore, it has been classified as a Variant of Uncertain Significance.

NM_004204.5(PIGQ):c.688C>G (p.Arg230Gly)

Gene: PIGQ (phosphatidylinositol glycan anchor biosynthesis class Q; plus strand). Cytogenetic location: 16p13.3.
Variant type: single nucleotide variant.
Coding change: c.688C>G on transcript NM_004204.5 (MANE Select); coding-DNA position 688, C replaced by G.
Protein change: p.Arg230Gly; replaces arginine 230 with glycine.
Molecular consequence: missense variant.
Genome position (GRCh38, 1-based): chr16:574,762, C>G. VCF-style: chr16-574762-C-G. GRCh37 (hg19) VCF-style: chr16-624762-C-G.
Other names: c.688C>G, p.Arg230Gly (NM_148920.4); short protein forms R230G.
Identifiers: ClinVar variation 2139434 (VCV002139434.1), dbSNP rs1206309859, ClinGen allele CA394050388.
Genomic context (GRCh38, chr16:574,762, plus strand): 5'-GGACCCATTTGCCTGCTGTTGGCCAGCCTGCTGTCGCTGGTCTCAGCTGTCAGTGCCTGC[C>G]GGTAGGTGTCCCGGGACAGGCAGGTGGCAAAGAGTGGGGTCCCATGAGTGCTGGCCCATC-3'
Protein context (NP_004195.2, residues 220-240): LSLVSAVSAC[Arg230Gly]VFKLWPLSFL